The following is an entry in ClinVar:

ClinVar aggregate classification (germline): Conflicting classifications of pathogenicity. Review status: criteria provided, conflicting classifications (1 of 4 stars). 3 submissions from 3 submitters: Uncertain significance (2); Likely benign (1). Last evaluated 2024-03-21.

Conditions:
Hereditary cancer-predisposing syndrome. Also called: Neoplastic Syndromes, Hereditary; Tumor predisposition; Hereditary Cancer Syndrome; Hereditary neoplastic syndrome. Identifiers: Orphanet 140162, MedGen C0027672, MeSH D009386, MONDO:0015356.
Congenital diarrhea 5 with tufting enteropathy. Also called: Congenital tufting enteropathy; INTESTINAL EPITHELIAL CELL DYSPLASIA. Identifiers: Orphanet 92050, MedGen C2750737, MONDO:0013184, OMIM 613217.
Lynch syndrome 8 (LYNCH8). Also called: Colorectal cancer, hereditary nonpolyposis, type 8. Identifiers: Orphanet 144, MedGen C2750471, MONDO:0013196, OMIM 613244.

Allele frequency attached by ClinVar (database versions not stated): gnomAD exomes below 0.00001; ExAC 0.00002; gnomAD 0.00002; TOPMed 0.00002.
gnomAD v4.1: 9 of 1,613,966 alleles (0.00056%); highest among the groups gnomAD compares: East Asian, 0.02%; no homozygotes.

Submissions (3):

Molecular Pathology, Peter Maccallum Cancer Centre
Classification: Likely benign for Lynch syndrome 8. Last evaluated: 2024-03-21. Review status: criteria provided, single submitter. Criteria: ACMG Guidelines, 2015. Collection method: clinical testing. Allele origin: germline. Inheritance: Autosomal dominant inheritance.

Ambry Genetics
Classification: Uncertain significance for Hereditary cancer-predisposing syndrome. Last evaluated: 2024-03-02. Review status: criteria provided, single submitter. Criteria: Ambry Variant Classification Scheme 2023. Collection method: clinical testing. Allele origin: germline.
Comment: The p.G75D variant (also known as c.224G>A), located in coding exon 3 of the EPCAM gene, results from a G to A substitution at nucleotide position 224. The glycine at codon 75 is replaced by aspartic acid, an amino acid with similar properties. This amino acid position is conserved. In addition, this alteration is predicted to be tolerated by in silico analysis. Since supporting evidence is limited at this time, the clinical significance of this alteration remains unclear.

Juno Genomics, Hangzhou Juno Genomics, Inc
Classification: Uncertain significance for Lynch syndrome 8; Congenital diarrhea 5 with tufting enteropathy. Review status: criteria provided, single submitter. Criteria: ACMG Guidelines, 2015. Collection method: clinical testing. Allele origin: germline. Affected: yes.
Comment: Absent from controls (or at extremely low frequency if recessive) in Genome Aggregation Database, Exome Sequencing Project, 1000 Genomes Project, or Exome Aggregation Consortium.;Patient's phenotype or family history is highly specific for a disease with a single genetic etiology.

NM_002354.3(EPCAM):c.224G>A (p.Gly75Asp)

Gene: EPCAM (epithelial cell adhesion molecule; plus strand). Cytogenetic location: 2p21.
Variant type: single nucleotide variant.
Coding change: c.224G>A on transcript NM_002354.3 (MANE Select); coding-DNA position 224, G replaced by A.
Protein change: p.Gly75Asp; replaces glycine 75 with aspartic acid.
Molecular consequence: missense variant.
Genome position (GRCh38, 1-based): chr2:47,373,847, G>A. VCF-style: chr2-47373847-G-A. GRCh37 (hg19) VCF-style: chr2-47600986-G-A.
Other names: short protein forms G75D.
Identifiers: ClinVar variation 1788402 (VCV001788402.5), dbSNP rs749805135, ClinGen allele CA1648929.